The following is an entry in ClinVar:

NM_170784.3(MKKS):c.885dup (p.Val296fs)

Gene: MKKS (MKKS centrosomal shuttling protein; minus strand). Cytogenetic location: 20p12.2.
Variant type: Duplication.
Coding change: c.885dup on transcript NM_170784.3 (MANE Select); coding-DNA position 885, one base duplicated (A; older notation c.885dupA).
Protein change: p.Val296fs; shifts the reading frame from valine 296.
Molecular consequence: frameshift variant.
Genome position (GRCh38, 1-based): chr20:10,412,630, T duplicated on the plus strand (A on the coding strand, the reverse complement: MKKS is on the minus strand); the first of 5 consecutive T bases (chr20:10,412,630-10,412,634); duplicating any one gives the same sequence. VCF-style (leftmost placement, unchanged base first): chr20-10412629-C-CT. GRCh37 (hg19) VCF-style: chr20-10393277-C-CT.
Other names: c.885dup, p.Val296fs (NM_018848.3); c.885dupA (NM_018848.3); short protein forms V296fs.
Identifiers: ClinVar variation 2691703 (VCV002691703.3), dbSNP rs2514495504, ClinGen allele CA2697547306.
Genomic context (GRCh38, chr20:10,412,629, plus strand): 5'-TTCTGTCTATGGCAATAATACGATGCATATTGAGAAACTGCTTCAAAGATGGATGTATAA[C>CT]TTTTTGGCACAGGACAAGATCTACGTGGTCACTGATTAGCTGCCTTCCTAGGTTAAGCAG-3'

ClinVar aggregate classification (germline): Pathogenic. Review status: criteria provided, multiple submitters, no conflicts (2 of 4 stars). 2 submissions from 2 submitters: Pathogenic (2). Last evaluated 2024-03-07.

Conditions:
Bardet-Biedl syndrome (BBS). Identifiers: Orphanet 110, MedGen C0752166, MONDO:0015229.
McKusick-Kaufman syndrome (MKKS). Also called: HYDROMETROCOLPOS SYNDROME; HYDROMETROCOLPOS, POSTAXIAL POLYDACTYLY, AND CONGENITAL HEART MALFORMATION. Identifiers: Orphanet 2473, MedGen C0948368, MONDO:0009367, OMIM 236700.

Submissions (2):

Labcorp Genetics (formerly Invitae), Labcorp
Classification: Pathogenic for McKusick-Kaufman syndrome; Bardet-Biedl syndrome. Last evaluated: 2024-03-07. Review status: criteria provided, single submitter. Criteria: Invitae Variant Classification Sherloc (09022015). Collection method: clinical testing. Allele origin: germline.
Comment: This sequence change creates a premature translational stop signal (p.Val296Serfs*31) in the MKKS gene. It is expected to result in an absent or disrupted protein product. Loss-of-function variants in MKKS are known to be pathogenic (PMID: 11179009, 28761321, 30614526). This variant is not present in population databases (gnomAD no frequency). This variant has not been reported in the literature in individuals affected with MKKS-related conditions. Algorithms developed to predict the effect of sequence changes on RNA splicing suggest that this variant may disrupt the consensus splice site. For these reasons, this variant has been classified as Pathogenic.

Women's Health and Genetics/Laboratory Corporation of America, LabCorp
Classification: Pathogenic for Bardet-Biedl syndrome. Last evaluated: 2023-12-14. Review status: criteria provided, single submitter. Criteria: LabCorp Variant Classification Summary - May 2015. Collection method: clinical testing. Allele origin: germline.
Comment: Variant summary: MKKS c.885dupA (p.Val296SerfsX31) results in a premature termination codon, predicted to cause a truncation of the encoded protein or absence of the protein due to nonsense mediated decay, which are commonly known mechanisms for disease. The variant was absent in 251322 control chromosomes. To our knowledge, no occurrence of c.885dupA in individuals affected with Bardet-Biedl Syndrome and no experimental evidence demonstrating its impact on protein function have been reported. No submitters have cited clinical-significance assessments for this variant to ClinVar after 2014. Based on the evidence outlined above, the variant was classified as pathogenic.

Literature cited by the submitters: PubMed 11179009 (cited by Labcorp Genetics (formerly Invitae), Labcorp); PubMed 28761321 (cited by Labcorp Genetics (formerly Invitae), Labcorp); PubMed 30614526 (cited by Labcorp Genetics (formerly Invitae), Labcorp).